The following is an entry in ClinVar:

NM_001378418.1(TCF20):c.3097A>T (p.Met1033Leu)

Gene: TCF20 (transcription factor 20; minus strand). Cytogenetic location: 22q13.2.
Variant type: single nucleotide variant.
Coding change: c.3097A>T on transcript NM_001378418.1 (MANE Select); coding-DNA position 3097, A replaced by T.
Protein change: p.Met1033Leu; replaces methionine 1033 with leucine.
Molecular consequence: missense variant.
Genome position (GRCh38, 1-based): chr22:42,212,209, T>A on the plus strand (A>T on the coding strand, the complement: TCF20 is on the minus strand). VCF-style: chr22-42212209-T-A. GRCh37 (hg19) VCF-style: chr22-42608215-T-A.
Other names: c.3097A>T, p.Met1033Leu (NM_005650.4, NM_181492.3); short protein forms M1033L.
Identifiers: ClinVar variation 2976274 (VCV002976274.3), dbSNP rs750728561, ClinGen allele CA10266896.
Genomic context (GRCh38, chr22:42,212,209, plus strand): 5'-AAAAGGGAGTGTGTAAAGAACTCCGGTTAGCCCTCTCTGAAAAGGTCATGTGTGGATTCA[T>A]GTGATGAGGGTCTCCCCCTGGGCCTCTGCTCCGCCCAGGAGACATTTTCAATTTTTCTGC-3'
Protein context (NP_001365347.1, residues 1023-1043): SRGPGGDPHH[Met1033Leu]NPHMTFSERA

ClinVar aggregate classification (germline): Uncertain significance (1 of 4 stars; one submission).

Allele frequency attached by ClinVar (database versions not stated): ExAC 0.00002.

Submission:

Labcorp Genetics (formerly Invitae), Labcorp
Classification: Uncertain significance. Last evaluated: 2023-04-01. Review status: criteria provided, single submitter. Criteria: Invitae Variant Classification Sherloc (09022015). Collection method: clinical testing. Allele origin: germline.
Comment: This sequence change replaces methionine, which is neutral and non-polar, with leucine, which is neutral and non-polar, at codon 1033 of the TCF20 protein (p.Met1033Leu). This variant is present in population databases (rs750728561, gnomAD 0.002%). This variant has not been reported in the literature in individuals affected with TCF20-related conditions. An algorithm developed to predict the effect of missense changes on protein structure and function (PolyPhen-2) suggests that this variant is likely to be tolerated. In summary, the available evidence is currently insufficient to determine the role of this variant in disease. Therefore, it has been classified as a Variant of Uncertain Significance.